The following is an entry in ClinVar:

ClinVar aggregate classification (germline): Uncertain significance. Review status: criteria provided, multiple submitters, no conflicts (2 of 4 stars). 2 submissions from 2 submitters: Uncertain significance (2). Last evaluated 2021-08-26.

Conditions:
Pigmentary pallidal degeneration (NBIA1). Also called: Neuroaxonal dystrophy, late infantile; Hallervorden-Spatz disease; HARP SYNDROME; PKAN NEUROAXONAL DYSTROPHY, JUVENILE-ONSET; Pantothenate Kinase-Associated Neurodegeneration; Neurodegeneration with brain iron accumulation 1. Identifiers: Orphanet 157850, MedGen C0018523, MONDO:0009319, OMIM 234200.

gnomAD v4.1: 7 of 1,575,388 alleles (0.00044%); highest among the groups gnomAD compares: Admixed American, 0.0019%; no homozygotes.

Submissions (2):

Labcorp Genetics (formerly Invitae), Labcorp
Classification: Uncertain significance for Pigmentary pallidal degeneration. Last evaluated: 2021-08-26. Review status: criteria provided, single submitter. Criteria: Invitae Variant Classification Sherloc (09022015). Collection method: clinical testing. Allele origin: germline.
Comment: This sequence change replaces proline with leucine at codon 91 of the PANK2 protein (p.Pro91Leu). The proline residue is weakly conserved and there is a moderate physicochemical difference between proline and leucine. This variant is not present in population databases (ExAC no frequency). This variant has not been reported in the literature in individuals affected with PANK2-related conditions. ClinVar contains an entry for this variant (Variation ID: 338358). Algorithms developed to predict the effect of missense changes on protein structure and function (SIFT, PolyPhen-2, Align-GVGD) all suggest that this variant is likely to be tolerated. In summary, the available evidence is currently insufficient to determine the role of this variant in disease. Therefore, it has been classified as a Variant of Uncertain Significance.

Illumina Laboratory Services, Illumina
Classification: Uncertain significance for Pigmentary pallidal degeneration. Last evaluated: 2018-01-12. Review status: criteria provided, single submitter. Criteria: ICSL Variant Classification Criteria 13 December 2019. Collection method: clinical testing. Allele origin: germline.

NM_153638.4(PANK2):c.272C>T (p.Pro91Leu)

Genes: PANK2 (pantothenate kinase 2; plus strand), LOC130065345 (ATAC-STARR-seq lymphoblastoid silent region 12635; plus strand). Cytogenetic location: 20p13.
Variant type: single nucleotide variant.
Coding change: c.272C>T on transcript NM_153638.4; coding-DNA position 272, C replaced by T.
Protein change: p.Pro91Leu; replaces proline 91 with leucine.
Molecular consequence: missense variant. On other transcripts: intron variant (1).
Genome position (GRCh38, 1-based): chr20:3,889,372, C>T. VCF-style: chr20-3889372-C-T. GRCh37 (hg19) VCF-style: chr20-3870019-C-T.
Other names: c.272C>T, p.Pro91Leu (NM_001324192.1); c.-246+468C>T (NM_024960.6); short protein forms P91L.
Identifiers: ClinVar variation 338358 (VCV000338358.12), dbSNP rs757651957, ClinGen allele CA10652502.